The following is an entry in ClinVar:

ClinVar aggregate classification (germline): Likely pathogenic (1 of 4 stars; one submission).

Conditions:
Deficiency of steroid 17-alpha-monooxygenase. Also called: 17-alpha-hydroxylase/17,20-lyase deficiency; 17-ALPHA-HYDROXYLASE DEFICIENCY; ADRENAL HYPERPLASIA V; Congenital adrenal hyperplasia due to 17-alpha-hydroxylase deficiency; Congenital adrenal hyperplasia type 5. Identifiers: Orphanet 90793, MedGen C0268285, MONDO:0008730, OMIM 202110.

Submission:

Kasturba Medical College, Manipal, Kasturba Medical College, Manipal, Manipal Academy of Higher Education, Manipal, India
Classification: Likely pathogenic for Deficiency of steroid 17-alpha-monooxygenase. Review status: criteria provided, single submitter. Criteria: ACMG Guidelines, 2015. Collection method: research. Allele origin: biparental. Inheritance: Autosomal recessive inheritance. Affected: yes.
Comment: This variant is absent in heterozygous and/or homozygous state in our in-house database of 3754 exomes and gnomAD population database (v4.1.0). A different amino acid change at the same position, c.1183A>G p.(Asn395Asp) has been previously reported in an affected individual with 17-Hydroxylase/17,20-lyase deficiency (Xu et al., 2022)

Literature cited by the submitters: PubMed 35043964.

NM_000102.4(CYP17A1):c.1184A>G (p.Asn395Ser)

Gene: CYP17A1 (cytochrome P450 family 17 subfamily A member 1; minus strand). Cytogenetic location: 10q24.32.
Variant type: single nucleotide variant.
Coding change: c.1184A>G on transcript NM_000102.4 (MANE Select); coding-DNA position 1184, A replaced by G.
Protein change: p.Asn395Ser; replaces asparagine 395 with serine.
Molecular consequence: missense variant.
Genome position (GRCh38, 1-based): chr10:102,831,567, T>C on the plus strand (A>G on the coding strand, the complement: CYP17A1 is on the minus strand). VCF-style: chr10-102831567-T-C. GRCh37 (hg19) VCF-style: chr10-104591324-T-C.
Other names: short protein forms N395S.
Identifiers: ClinVar variation 4082109 (VCV004082109.1).